The following is an entry in ClinVar:

NM_002471.4(MYH6):c.50G>T (p.Arg17Leu)

Genes: MYH6 (myosin heavy chain 6; minus strand), LOC114827851 (VISTA enhancer hs2155; plus strand). Cytogenetic location: 14q11.2.
Variant type: single nucleotide variant.
Coding change: c.50G>T on transcript NM_002471.4 (MANE Select); coding-DNA position 50, G replaced by T.
Protein change: p.Arg17Leu; replaces arginine 17 with leucine.
Molecular consequence: missense variant.
Genome position (GRCh38, 1-based): chr14:23,407,174, C>A on the plus strand (G>T on the coding strand, the complement: MYH6 is on the minus strand). VCF-style: chr14-23407174-C-A. GRCh37 (hg19) VCF-style: chr14-23876383-C-A.
Other names: short protein forms R17L.
Identifiers: ClinVar variation 1055507 (VCV001055507.14), dbSNP rs746646172, ClinGen allele CA389032171.

ClinVar aggregate classification (germline): Uncertain significance. Review status: criteria provided, multiple submitters, no conflicts (2 of 4 stars). 4 submissions from 4 submitters: Uncertain significance (4). Last evaluated 2026-04-21.

Conditions:
Hypertrophic cardiomyopathy 14. Identifiers: MedGen C2750467, MONDO:0013197, OMIM 613251.
MYH6-related disorder. Also called: MYH6-related condition; MYH6-Related Disorders.
Cardiovascular phenotype. Identifiers: MedGen CN230736.

gnomAD v4.1: 3 of 1,614,248 alleles (0.00019%); highest among the groups gnomAD compares: Non-Finnish European, 0.000085%; no homozygotes.

Submissions (4):

Ambry Genetics
Classification: Uncertain significance for Cardiovascular phenotype. Last evaluated: 2026-04-21. Review status: criteria provided, single submitter. Criteria: Ambry Variant Classification Scheme 2023. Collection method: clinical testing. Allele origin: germline.
Comment: The p.R17L variant (also known as c.50G>T), located in coding exon 1 of the MYH6 gene, results from a G to T substitution at nucleotide position 50. The arginine at codon 17 is replaced by leucine, an amino acid with dissimilar properties. This amino acid position is highly conserved in available vertebrate species. In addition, this alteration is predicted to be deleterious by in silico analysis. Based on the available evidence, the clinical significance of this variant remains unclear.

PreventionGenetics, part of Exact Sciences
Classification: Uncertain significance for MYH6-related condition. Last evaluated: 2024-10-23. Review status: criteria provided, single submitter. Criteria: ACMG Guidelines, 2015. Collection method: clinical testing. Allele origin: germline.
Comment: The MYH6 c.50G>T variant is predicted to result in the amino acid substitution p.Arg17Leu. This variant has been reported in an individual with left ventricular noncompaction (Table S2, Cambon-Viala et al. 2021. PubMed ID: 34088380). This variant has not been reported in a large population database, indicating it is rare. Additionally, different missense variants affecting the same amino acid (p.Arg17Cys, p.Arg17His) have been reported in individuals with MYH6-related disease (Posch et al. 2011. PubMed ID: 22194935; Cuenca et al. 2016. PubMed ID: 26899768). At this time, the clinical significance of this variant is uncertain due to the absence of conclusive functional and genetic evidence.

Labcorp Genetics (formerly Invitae), Labcorp
Classification: Uncertain significance for Hypertrophic cardiomyopathy 14. Last evaluated: 2023-06-15. Review status: criteria provided, single submitter. Criteria: Invitae Variant Classification Sherloc (09022015). Collection method: clinical testing. Allele origin: germline.
Comment: In summary, the available evidence is currently insufficient to determine the role of this variant in disease. Therefore, it has been classified as a Variant of Uncertain Significance. Advanced modeling of protein sequence and biophysical properties (such as structural, functional, and spatial information, amino acid conservation, physicochemical variation, residue mobility, and thermodynamic stability) performed at Invitae indicates that this missense variant is expected to disrupt MYH6 protein function. ClinVar contains an entry for this variant (Variation ID: 1055507). This missense change has been observed in individual(s) with left ventricular noncompaction (PMID: 30471092). This variant is not present in population databases (gnomAD no frequency). This sequence change replaces arginine, which is basic and polar, with leucine, which is neutral and non-polar, at codon 17 of the MYH6 protein (p.Arg17Leu).

GeneDx
Classification: Uncertain significance. Last evaluated: 2020-03-27. Review status: criteria provided, single submitter. Criteria: GeneDx Variant Classification Process June 2021. Collection method: clinical testing. Allele origin: germline. Affected: yes.
Comment: Not observed in large population cohorts (Lek et al., 2016); In silico analysis supports that this missense variant has a deleterious effect on protein structure/function; Identified in a cohort of individuals undergoing genetic testing for left ventricular noncompaction in published literature, but the number of patients with the variant, additional clinical information, and familial segregation information were not included (Richard et al., 2019); This variant is associated with the following publications: (PMID: 30471092)

Literature cited by the submitters: PubMed 30471092 (cited by Labcorp Genetics (formerly Invitae), Labcorp).